The following is an entry in ClinVar:

NM_001386795.1(DTNA):c.1295A>C (p.Glu432Ala)

Gene: DTNA (dystrobrevin alpha; plus strand). Cytogenetic location: 18q12.1.
Variant type: single nucleotide variant.
Coding change: c.1295A>C on transcript NM_001386795.1 (MANE Select); coding-DNA position 1295, A replaced by C.
Protein change: p.Glu432Ala; replaces glutamic acid 432 with alanine.
Molecular consequence: missense variant. On other transcripts: intron variant (33).
Genome position (GRCh38, 1-based): chr18:34,838,786, A>C. VCF-style: chr18-34838786-A-C. GRCh37 (hg19) VCF-style: chr18-32418750-A-C.
Other names: p.Glu405Ala; c.341A>C, p.Glu114Ala (NM_001198942.1); c.1295A>C, p.Glu432Ala (NM_001386788.1); c.1214A>C, p.Glu405Ala (NM_001390.5, NM_001391.5); c.1205A>C, p.Glu402Ala (NM_032978.7); c.1095-9510A>C (NM_032975.4, NM_001386761.1, NM_001386762.1 and 1 more transcripts); c.1175+9297A>C (NM_001386754.1, NM_001386755.1, NM_001386760.1 and 5 more transcripts); c.1086-9510A>C (NM_001386763.1, NM_001386764.1, NM_001386768.1 and 13 more transcripts); and 5 more; short protein forms E114A, E402A, E405A, E432A.
Identifiers: ClinVar variation 2683455 (VCV002683455.1), dbSNP rs2519127944, ClinGen allele CA402172295.

ClinVar aggregate classification (germline): Uncertain significance (1 of 4 stars; one submission).

Submission:

Mayo Clinic Laboratories, Mayo Clinic
Classification: Uncertain significance. Last evaluated: 2022-06-13. Review status: criteria provided, single submitter. Criteria: ACMG Guidelines, 2015. Collection method: clinical testing. Allele origin: germline. Observed: 2 variant alleles.
Comment: PM2